The following is an entry in ClinVar:

ClinVar aggregate classification (germline): Likely pathogenic (1 of 4 stars; one submission).

Conditions:
Dilated cardiomyopathy 1G (CMD1G). Identifiers: Orphanet 154, MedGen C1858763, MONDO:0011400, OMIM 604145.
Autosomal recessive limb-girdle muscular dystrophy type 2J (LGMDR10). Also called: Limb-girdle muscular dystrophy, type 2J; MUSCULAR DYSTROPHY, LIMB-GIRDLE, AUTOSOMAL RECESSIVE 10. Identifiers: Orphanet 140922, MedGen C1837342, MONDO:0012127, OMIM 608807.

Submission:

Labcorp Genetics (formerly Invitae), Labcorp
Classification: Likely pathogenic for Dilated cardiomyopathy 1G; Autosomal recessive limb-girdle muscular dystrophy type 2J. Last evaluated: 2024-10-28. Review status: criteria provided, single submitter. Criteria: Invitae Variant Classification Sherloc (09022015). Collection method: clinical testing. Allele origin: germline.
Comment: This sequence change creates a premature translational stop signal (p.Phe6814*) in the TTN gene. While this is not anticipated to result in nonsense mediated decay, it is expected to create a truncated TTN protein. This variant is not present in population databases (gnomAD no frequency). This variant has not been reported in the literature in individuals affected with TTN-related conditions. ClinVar contains an entry for this variant (Variation ID: 1512272). This variant is located in the I band of TTN (PMID: 25589632). Truncating variants in this region have been reported in individuals affected with autosomal recessive centronuclear myopathy (PMID: 23975875, internal data). Truncating variants in this region have also been identified in individuals affected with autosomal dominant dilated cardiomyopathy and/or cardio-related conditions (PMID: 27869827, 32964742, internal data). In summary, the currently available evidence indicates that the variant is pathogenic, but additional data are needed to prove that conclusively. Therefore, this variant has been classified as Likely Pathogenic.

Literature cited by the submitters: PubMed 25589632; PubMed 23975875; PubMed 27869827; PubMed 32964742.

NM_001267550.2(TTN):c.20441_20448del (p.Asn6813_Phe6814insTer)

Gene: TTN (titin; minus strand). Cytogenetic location: 2q31.2.
Variant type: Deletion.
Coding change: c.20441_20448del on transcript NM_001267550.2 (MANE Select); coding-DNA positions 20441 to 20448, 8 bases deleted (TCCACACA; older notation c.20441_20448delTCCACACA).
Protein change: p.Asn6813_Phe6814insTer.
Molecular consequence: nonsense. On other transcripts: intron variant (3).
Genome position (GRCh38, 1-based): chr2:178,725,874-178,725,881, TGTGTGGA deleted on the plus strand (TCCACACA on the coding strand, the reverse complement: TTN is on the minus strand). VCF-style (leftmost placement, unchanged base first): chr2-178725873-TTGTGTGGA-T. GRCh37 (hg19) VCF-style: chr2-179590600-TTGTGTGGA-T.
Other names: c.19490_19497del, p.Asn6496_Phe6497insTer (NM_001256850.1); c.16709_16716del, p.Asn5569_Phe5570insTer (NM_133378.4); c.13282+12201_13282+12208del (NM_003319.4); c.13858+12201_13858+12208del (NM_133437.4); c.13657+12201_13657+12208del (NM_133432.3).
Identifiers: ClinVar variation 1512272 (VCV001512272.6), dbSNP rs2154304568, ClinGen allele CA2573133928.